The following is an entry in ClinVar:

ClinVar aggregate classification (germline): Pathogenic. Review status: criteria provided, multiple submitters, no conflicts (2 of 4 stars). 7 submissions from 7 submitters: Pathogenic (6). 1 of the submissions does not count toward it. Last evaluated 2026-07-05.

Conditions:
ANKRD11-related disorder. Also called: ANKRD11-related condition.
KBG syndrome (KBGS). Also called: ANKRD11-Related KBG Syndrome. Identifiers: Orphanet 2332, MedGen C0220687, MONDO:0007846, OMIM 148050.

Submissions (7):

Umrani?ye Training and Research Hospital
Classification: Pathogenic for KBG syndrome. Last evaluated: 2026-07-05. Review status: criteria provided, single submitter. Criteria: ACMG Guidelines, 2015. Collection method: clinical testing. Allele origin: germline. Inheritance: Autosomal dominant inheritance. Affected: yes.
Comment: PVS1, PM2

GeneDx
Classification: Pathogenic. Last evaluated: 2025-12-13. Review status: criteria provided, single submitter. Criteria: GeneDx Variant Classification Process June 2021. Collection method: clinical testing. Allele origin: germline. Affected: yes.
Comment: Frameshift variant predicted to result in protein truncation or nonsense mediated decay in a gene for which loss of function is a known mechanism of disease; Not observed at significant frequency in large population cohorts (gnomAD); This variant is associated with the following publications: (PMID: 33057194, 28135719, 28191890, 36446582, 36939041, 35982159, 25533962, 39039281, 27667800)

PreventionGenetics, part of Exact Sciences
Classification: Pathogenic for ANKRD11-related condition. Last evaluated: 2023-04-14. Review status: criteria provided, single submitter. Criteria: ACMG Guidelines, 2015. Collection method: clinical testing. Allele origin: germline.
Comment: The ANKRD11 c.3704_3707delAACA variant is predicted to result in a frameshift and premature protein termination (p.Lys1235Argfs*82). This variant has been reported in at least two individuals with KBG syndrome, and in one individual was determined to be de novo (Table S4, Deciphering Developmental Disorders Study. 2015. PubMed ID: 25533962; Table 2, Martinez-Cayuelas E et al. 2022. PMID: 36446582). This variant has not been reported in a large population database, indicating this variant is rare. Frameshift variants in ANKRD11 are expected to be pathogenic. This variant is interpreted as pathogenic.

Institute for Medical Genetics and Human Genetics, Charité - Universitätsmedizin Berlin
Classification: Pathogenic for KBG syndrome. Last evaluated: 2022-09-22. Review status: criteria provided, single submitter. Criteria: ACMG Guidelines, 2015. Collection method: clinical testing. Allele origin: germline. Inheritance: Autosomal dominant inheritance. Affected: yes. Observed: 1 heterozygote.

Labcorp Genetics (formerly Invitae), Labcorp
Classification: Pathogenic for KBG syndrome. Last evaluated: 2021-06-26. Review status: criteria provided, single submitter. Criteria: Invitae Variant Classification Sherloc (09022015). Collection method: clinical testing. Allele origin: germline.
Comment: This variant has been observed in individual(s) with clinical features of KBG syndrome (PMID: 27667800). ClinVar contains an entry for this variant (Variation ID: 523956). This variant is not present in population databases (ExAC no frequency). This sequence change creates a premature translational stop signal (p.Lys1235Argfs*82) in the ANKRD11 gene. It is expected to result in an absent or disrupted protein product. Loss-of-function variants in ANKRD11 are known to be pathogenic (PMID: 21782149, 25125236, 25413698, 25652421). For these reasons, this variant has been classified as Pathogenic.

Baylor Genetics
Classification: Pathogenic for KBG syndrome. Last evaluated: 2019-02-20. Review status: criteria provided, single submitter. Criteria: ACMG Guidelines, 2015. Collection method: clinical testing. Allele origin: maternal. Affected: yes.
Comment: This variant was determined to be pathogenic according to ACMG Guidelines, 2015 [PMID:25741868]. This variant has been previously reported as disease-causing [PMID 27667800, 25533962]

Autoinflammatory diseases unit, CHU de Montpellier
Classification: Pathogenic for KBG syndrome. Last evaluated: 2019-06-12. Review status: no assertion criteria provided. Collection method: clinical testing. Allele origin: de novo. Affected: yes. Not counted in ClinVar's aggregate classification.

Literature cited by the submitters: PubMed 42808190 (cited by Umrani?ye Training and Research Hospital); PubMed 27667800 (cited by Labcorp Genetics (formerly Invitae), Labcorp and Baylor Genetics); PubMed 21782149 (cited by Labcorp Genetics (formerly Invitae), Labcorp); PubMed 25125236 (cited by Labcorp Genetics (formerly Invitae), Labcorp); PubMed 25413698 (cited by Labcorp Genetics (formerly Invitae), Labcorp); PubMed 25652421 (cited by Labcorp Genetics (formerly Invitae), Labcorp); PubMed 25533962 (cited by Baylor Genetics).

NM_013275.6(ANKRD11):c.3704_3707del (p.Lys1235fs)

Gene: ANKRD11 (ankyrin repeat domain 11; minus strand). Cytogenetic location: 16q24.3.
Variant type: Deletion.
Coding change: c.3704_3707del on transcript NM_013275.6 (MANE Select); coding-DNA positions 3704 to 3707, 4 bases deleted (AACA; older notation c.3704_3707delAACA).
Protein change: p.Lys1235fs; shifts the reading frame from lysine 1235.
Molecular consequence: frameshift variant.
Genome position (GRCh38, 1-based): chr16:89,282,835-89,282,838, TGTT deleted on the plus strand (AACA on the coding strand, the reverse complement: ANKRD11 is on the minus strand); deleting any 4 consecutive bases within chr16:89,282,835-89,282,839 gives the same sequence; the c. name uses the placement nearest the transcript's 3' end. VCF-style (leftmost placement, unchanged base first): chr16-89282834-CTGTT-C. GRCh37 (hg19) VCF-style: chr16-89349242-CTGTT-C.
Other names: NP_037407.4:p.(Lys1235ArgfsTer82); c.3704_3707del, p.Lys1235fs (NM_001256182.2, NM_001256183.2); c.3704_3707delAACA (NM_013275.5); c.3704_3707del (NM_013275.5, NM_013275.4); short protein forms K1235fs.
Identifiers: ClinVar variation 523956 (VCV000523956.16), dbSNP rs1555528354, ClinGen allele CA658790756.